The following is an entry in ClinVar:

NM_022455.5(NSD1):c.1124G>C (p.Arg375Thr)

Gene: NSD1 (nuclear receptor binding SET domain protein 1; plus strand). Cytogenetic location: 5q35.3.
Variant type: single nucleotide variant.
Coding change: c.1124G>C on transcript NM_022455.5 (MANE Select); coding-DNA position 1124, G replaced by C.
Protein change: p.Arg375Thr; replaces arginine 375 with threonine.
Molecular consequence: missense variant.
Genome position (GRCh38, 1-based): chr5:177,204,180, G>C. VCF-style: chr5-177204180-G-C. GRCh37 (hg19) VCF-style: chr5-176631181-G-C.
Other names: c.1124G>C, p.Arg375Thr (NM_001409301.1, NM_001409302.1, NM_001409303.1); c.704G>C, p.Arg235Thr (NM_001409304.1); c.371G>C, p.Arg124Thr (NM_001409305.1); c.251G>C, p.Arg84Thr (NM_001409306.1, NM_001409307.1, NM_001409308.1 and 3 more transcripts); short protein forms R84T, R124T, R235T, R375T.
Identifiers: ClinVar variation 3666137 (VCV003666137.2).

ClinVar aggregate classification (germline): Uncertain significance (1 of 4 stars; one submission).

gnomAD v4.1: 3 of 1,614,162 alleles (0.00019%); highest among the groups gnomAD compares: Admixed American, 0.005%; no homozygotes.

Submission:

Labcorp Genetics (formerly Invitae), Labcorp
Classification: Uncertain significance. Last evaluated: 2023-06-20. Review status: criteria provided, single submitter. Criteria: Invitae Variant Classification Sherloc (09022015). Collection method: clinical testing. Allele origin: germline.
Comment: In summary, the available evidence is currently insufficient to determine the role of this variant in disease. Therefore, it has been classified as a Variant of Uncertain Significance. Advanced modeling of protein sequence and biophysical properties (such as structural, functional, and spatial information, amino acid conservation, physicochemical variation, residue mobility, and thermodynamic stability) performed at Invitae indicates that this missense variant is expected to disrupt NSD1 protein function. This variant has not been reported in the literature in individuals affected with NSD1-related conditions. This variant is present in population databases (rs763396547, gnomAD 0.009%). This sequence change replaces arginine, which is basic and polar, with threonine, which is neutral and polar, at codon 375 of the NSD1 protein (p.Arg375Thr).